The following continues an entry in ClinVar:

NM_000218.3(KCNQ1):c.643G>A (p.Val215Met)

Gene: KCNQ1. ClinVar aggregate classification (germline): Conflicting classifications of pathogenicity. Pathogenic (1); Likely pathogenic (6); Uncertain significance (1).

Submissions 8 to 10 of 10:

Victorian Clinical Genetics Services, Murdoch Childrens Research Institute
Classification: Uncertain significance for Long QT syndrome 1. Last evaluated: 2020-10-19. Review status: criteria provided, single submitter. Criteria: ACMG Guidelines, 2015. Collection method: clinical testing. Allele origin: germline. Inheritance: Autosomal dominant inheritance.
Comment: Based on the classification scheme VCGS_Germline_v1.3.3, this variant is classified as VUS-3A. Following criteria are met: 0103 - Dominant negative, loss of function and gain of function are known mechanisms of disease in this gene. Short QT syndrome is associated with gain of function variants, while long QT syndrome (LQTS), atrial fibrillation and Jervell and Lange-Nielson syndrome (JLNS) are associated with loss of function variants (OMIM, PMID: 19632626, PMID: 28438721). (I) 0108 - This gene is known to be associated with both recessive and dominant disease. JLNS is a more severe form of LQTS, and is the only condition caused by biallelic variants (PMID: 28438721). (I) 0112 - Variants in this gene are known to have reduced penetrance (GeneReviews, OMIM). These variants are likely to cause long QT syndrome or atrial fibrillation. (I) 0200 - Variant is predicted to result in a missense amino acid change from valine to methionine. (I) 0251 - This variant is heterozygous. (I) 0302 - Variant is present in gnomAD (v2) <0.001 for a dominant condition (3 heterozygotes, 0 homozygotes). (SP) 0309 - An alternative amino acid change at the same position has been observed in gnomAD (v2), p.(Val215Gly) (1 heterozygote, 0 homozygotes). (I) 0502 - Missense variant with conflicting in silico predictions and uninformative conservation. Minor amino acid change, moderate conservation. (I) 0600 - Variant is located in the annotated transmembane S3 domain (Invitae Protein Topology). (I) 0710 - Another variant affecting the same amino acid and comparable to the one identified in this case has inconclusive previous evidence for pathogenicity. p.(Val215Gly): ClinVar, VUS x2. (I) 0808 - Previous reports of pathogenicity for this variant are conflicting. ClinVar: VUS x1. PMID: 16414944: one family with LQTS. PMID: 19841300: one patient with LQTS. PMID: 23098067: one LQTS patient. PMID: 23392653: one patient with autosomal recessive LQTS and no deafness, in trans with another KCNQ1 variant, W3292X. PMID: 28589536: considered a VUS. (I) 0905 - No published segregation evidence has been identified for this variant. (I) 1002 - This variant has limited functional evidence supporting abnormal protein function. PMID: 20421371: Patch clamp experiments on mammalian cells (mouse) demonstrated a positive shift in activation, slowed channel activation, and accelerated deactivation, when co-expressed with KCNE1. PMID: 27690226: clamp tests in Xenopus laevis oocytes demonstrated that this variant altered the channel function. Patch clamp assays have been shown to be unreliable therefore, results from these studies are used with caution during variant classification. (SP) 1208 - Inheritance information for this variant is not currently available in this individual. (I) Legend: (SP) - Supporting Pathogenic, (I) – Information, (SB) – Supporting Benign

deCODE genetics, Amgen
Classification: Likely pathogenic for Long QT syndrome 1. Last evaluated: 2023-07-21. Review status: no assertion criteria provided. Collection method: research. Allele origin: germline. Affected: yes. Observed: 572 variant alleles. Not counted in ClinVar's aggregate classification.
Comment: The variant NM_000218.3:c.643G>A (chr11:2571363) in KCNQ1 was detected in 206 heterozygotes out of 58K WGS Icelanders (MAF= 0,178%). Following imputation in a set of 166K Icelanders (572 imputed heterozyogtes) we observed an association with an elongation of the qt interval on ECG using measurements from 80068 individuals (Effect (SD)= 0.83, P= 9.16e-31). This variant has been reported in ClinVar previously as uncertain significance. Based on ACMG criteria (PS4, PP2, PP3, PP5) this variant classifies as likely pathogenic.

Cardiovascular Biomedical Research Unit, Royal Brompton & Harefield NHS Foundation Trust
No classification provided. Condition: Familial long QT syndrome. Review status: no classification provided. Collection method: literature only. Allele origin: germline. Not counted in ClinVar's aggregate classification.
Comment: This variant has been reported as associated with Long QT syndrome in the following publications (PMID:16414944;PMID:19716085;PMID:19841300;PMID:20421371). This is a literature report, and does not necessarily reflect the clinical interpretation of the Imperial College / Royal Brompton Cardiovascular Genetics laboratory.

Literature cited by the submitters: PubMed 16414944 (cited by 6 submitters); PubMed 22949429 (cited by Labcorp Genetics (formerly Invitae), Labcorp); PubMed 23098067 (cited by 5 submitters); PubMed 23392653 (cited by 5 submitters); PubMed 20421371 (cited by 6 submitters); PubMed 19716085 (cited by 4 submitters); PubMed 19841300 (cited by 4 submitters); PubMed 27690226 (cited by 4 submitters); PubMed 31865382 (cited by Color Diagnostics, LLC DBA Color Health); PubMed 32893267 (cited by Color Diagnostics, LLC DBA Color Health); PubMed 37449562 (cited by 3 submitters); PubMed 34505893 (cited by Women's Health and Genetics/Laboratory Corporation of America, LabCorp); PubMed 25576780 (cited by Ambry Genetics); PubMed 25916402 (cited by Ambry Genetics); PubMed 19632626 (cited by Victorian Clinical Genetics Services, Murdoch Childrens Research Institute); PubMed 28438721 (cited by Victorian Clinical Genetics Services, Murdoch Childrens Research Institute); PubMed 28589536 (cited by Victorian Clinical Genetics Services, Murdoch Childrens Research Institute); PubMed 22581653 (cited by Cardiovascular Biomedical Research Unit, Royal Brompton & Harefield NHS Foundation Trust).